The following is an entry in ClinVar:

NM_005235.3(ERBB4):c.843A>G (p.Ala281=)

Gene: ERBB4 (erb-b2 receptor tyrosine kinase 4; minus strand). Cytogenetic location: 2q34.
Variant type: single nucleotide variant.
Coding change: c.843A>G on transcript NM_005235.3 (MANE Select); coding-DNA position 843, A replaced by G.
Protein change: p.Ala281=; no amino-acid change (alanine 281 retained).
Molecular consequence: synonymous variant.
Genome position (GRCh38, 1-based): chr2:211,722,433, T>C on the plus strand (A>G on the coding strand, the complement: ERBB4 is on the minus strand). VCF-style: chr2-211722433-T-C. GRCh37 (hg19) VCF-style: chr2-212587158-T-C.
Other names: c.843A>G, p.Ala281= (NM_001042599.2).
Identifiers: ClinVar variation 2995219 (VCV002995219.7), dbSNP rs1195028619, ClinGen allele CA431141143.

ClinVar aggregate classification (germline): Likely benign. Review status: criteria provided, multiple submitters, no conflicts (2 of 4 stars). 3 submissions from 3 submitters: Likely benign (2). 1 of the submissions does not count toward it. Last evaluated 2025-07-07.

Conditions:
ERBB4-related disorder. Also called: ERBB4-related condition.

Allele frequency attached by ClinVar (database versions not stated): gnomAD exomes below 0.00001.
gnomAD v4.1: 6 of 1,613,854 alleles (0.00037%); highest among the groups gnomAD compares: South Asian, 0.0022%; no homozygotes.

Submissions (3):

Women's Health and Genetics/Laboratory Corporation of America, LabCorp
Classification: Likely benign. Last evaluated: 2025-07-07. Review status: criteria provided, single submitter. Criteria: LabCorp Variant Classification Summary - May 2015. Collection method: clinical testing. Allele origin: germline.

Labcorp Genetics (formerly Invitae), Labcorp
Classification: Likely benign. Last evaluated: 2023-05-15. Review status: criteria provided, single submitter. Criteria: Invitae Variant Classification Sherloc (09022015). Collection method: clinical testing. Allele origin: germline.

PreventionGenetics, part of Exact Sciences
Classification: Likely benign for ERBB4-related condition. Last evaluated: 2023-04-27. Review status: no assertion criteria provided. Collection method: clinical testing. Allele origin: germline. Not counted in ClinVar's aggregate classification.
Comment: This variant is classified as likely benign based on ACMG/AMP sequence variant interpretation guidelines (Richards et al. 2015 PMID: 25741868, with internal and published modifications).